The following is an entry in ClinVar:

NM_000350.3(ABCA4):c.4253+46C>T

Gene: ABCA4 (ATP binding cassette subfamily A member 4; minus strand). Cytogenetic location: 1p22.1.
Variant type: single nucleotide variant.
Coding change: c.4253+46C>T on transcript NM_000350.3 (MANE Select); 46 bases into the intron after coding-DNA position 4253, C replaced by T.
Molecular consequence: intron variant.
Genome position (GRCh38, 1-based): chr1:94,030,950, G>A on the plus strand (C>T on the coding strand, the complement: ABCA4 is on the minus strand). VCF-style: chr1-94030950-G-A. GRCh37 (hg19) VCF-style: chr1-94496506-G-A.
Other names: c.4031+46C>T (NM_001425324.1).
Identifiers: ClinVar variation 5001828 (VCV005001828.1).

ClinVar aggregate classification (germline): Likely benign (1 of 4 stars; one submission).

Conditions:
ABCA4-related disorder. Also called: ABCA4-related disorders; ABCA4-related condition. Identifiers: MedGen CN239167.

gnomAD v4.1: 17 of 1,613,032 alleles (0.0011%); highest among the groups gnomAD compares: African/African-American, 0.004%; no homozygotes.

Submission:

PreventionGenetics, part of Exact Sciences
Classification: Likely benign for ABCA4-related condition. Last evaluated: 2024-11-21. Review status: criteria provided, single submitter. Criteria: ACMG Guidelines, 2015. Collection method: clinical testing. Allele origin: germline.
Comment: This variant is classified as likely benign based on ACMG/AMP sequence variant interpretation guidelines (Richards et al. 2015 PMID: 25741868, with internal and published modifications).